The following is an entry in ClinVar:

NM_005476.7(GNE):c.1475T>A (p.Ile492Asn)

Gene: GNE (glucosamine (UDP-N-acetyl)-2-epimerase/N-acetylmannosamine kinase; minus strand). Cytogenetic location: 9p13.3.
Variant type: single nucleotide variant.
Coding change: c.1475T>A on transcript NM_005476.7 (MANE Select); coding-DNA position 1475, T replaced by A.
Protein change: p.Ile492Asn; replaces isoleucine 492 with asparagine.
Molecular consequence: missense variant. On other transcripts: intron variant (1).
Genome position (GRCh38, 1-based): chr9:36,222,935, A>T on the plus strand (T>A on the coding strand, the complement: GNE is on the minus strand). VCF-style: chr9-36222935-A-T. GRCh37 (hg19) VCF-style: chr9-36222932-A-T.
Other names: c.1568T>A, p.Ile523Asn (NM_001128227.3); c.1145T>A, p.Ile382Asn (NM_001190384.3); c.1298T>A, p.Ile433Asn (NM_001190388.2, NM_001374798.1); c.1322T>A, p.Ile441Asn (NM_001374797.1); c.1411+438T>A (NM_001190383.3); short protein forms I492N, I523N, I382N, I433N, I441N.
Identifiers: ClinVar variation 582546 (VCV000582546.6), dbSNP rs1563930321, ClinGen allele CA373426721.

ClinVar aggregate classification (germline): Conflicting classifications of pathogenicity. Review status: criteria provided, conflicting classifications (1 of 4 stars). 2 submissions from 2 submitters: Likely pathogenic (1); Uncertain significance (1). Last evaluated 2025-09-19.

Conditions:
GNE myopathy (NM). Also called: IBM 2; Inclusion body myopathy autosomal recessive; Inclusion body myopathy quadriceps sparing; INCLUSION BODY MYOPATHY, HEREDITARY, AUTOSOMAL RECESSIVE; INCLUSION BODY MYOPATHY 2, AUTOSOMAL RECESSIVE; MYOPATHY, DISTAL, WITH OR WITHOUT RIMMED VACUOLES. Identifiers: Orphanet 602, MedGen C1853926, MONDO:0011603, OMIM 605820.
Sialuria. Also called: SIALURIA, FRENCH TYPE; Sialic Acid Storage Disease. Identifiers: Orphanet 3166, MedGen C0342853, MONDO:0010028, OMIM 269921.

Allele frequency attached by ClinVar (database versions not stated): gnomAD exomes below 0.00001.
gnomAD v4.1: 1 of 1,614,176 alleles (0.000062%); highest among the groups gnomAD compares: Non-Finnish European, 0.000085%; no homozygotes.

Submissions (2):

Labcorp Genetics (formerly Invitae), Labcorp
Classification: Uncertain significance for Sialuria; GNE myopathy. Last evaluated: 2025-09-19. Review status: criteria provided, single submitter. Criteria: Invitae Variant Classification Sherloc (09022015). Collection method: clinical testing. Allele origin: germline.
Comment: This sequence change replaces isoleucine, which is neutral and non-polar, with asparagine, which is neutral and polar, at codon 523 of the GNE protein (p.Ile523Asn). This variant is not present in population databases (gnomAD no frequency). This variant has not been reported in the literature in individuals affected with GNE-related conditions. ClinVar contains an entry for this variant (Variation ID: 582546). Invitae Evidence Modeling of protein sequence and biophysical properties (such as structural, functional, and spatial information, amino acid conservation, physicochemical variation, residue mobility, and thermodynamic stability) has been performed for this missense variant. However, the output from this modeling did not meet the statistical confidence thresholds required to predict the impact of this variant on GNE protein function. In summary, the available evidence is currently insufficient to determine the role of this variant in disease. Therefore, it has been classified as a Variant of Uncertain Significance.

Institute for Medical Genetics and Human Genetics, Charité - Universitätsmedizin Berlin
Classification: Likely pathogenic for GNE myopathy. Last evaluated: 2022-09-16. Review status: criteria provided, single submitter. Criteria: ACMG Guidelines, 2015. Collection method: clinical testing. Allele origin: germline. Inheritance: Autosomal recessive inheritance. Affected: yes. Observed: 1 compound heterozygote.